The following is an entry in ClinVar:

NM_001205293.3(CACNA1E):c.2855T>C (p.Met952Thr)

Gene: CACNA1E (calcium voltage-gated channel subunit alpha1 E; plus strand). Cytogenetic location: 1q25.3.
Variant type: single nucleotide variant.
Coding change: c.2855T>C on transcript NM_001205293.3 (MANE Select); coding-DNA position 2855, T replaced by C.
Protein change: p.Met952Thr; replaces methionine 952 with threonine.
Molecular consequence: missense variant.
Genome position (GRCh38, 1-based): chr1:181,732,941, T>C. VCF-style: chr1-181732941-T-C. GRCh37 (hg19) VCF-style: chr1-181702077-T-C.
Other names: c.2855T>C, p.Met952Thr (NM_000721.4); c.2798T>C, p.Met933Thr (NM_001205294.2); short protein forms M933T, M952T.
Identifiers: ClinVar variation 1713644 (VCV001713644.5), dbSNP rs1007815714, ClinGen allele CA33816045.

ClinVar aggregate classification (germline): Uncertain significance (1 of 4 stars; one submission).

gnomAD v4.1: 2 of 1,613,962 alleles (0.00012%); highest among the groups gnomAD compares: Non-Finnish European, 0.00017%; no homozygotes.

Submission:

Labcorp Genetics (formerly Invitae), Labcorp
Classification: Uncertain significance. Last evaluated: 2025-03-27. Review status: criteria provided, single submitter. Criteria: Invitae Variant Classification Sherloc (09022015). Collection method: clinical testing. Allele origin: germline.
Comment: This sequence change replaces methionine, which is neutral and non-polar, with threonine, which is neutral and polar, at codon 952 of the CACNA1E protein (p.Met952Thr). This variant is present in population databases (no rsID available, gnomAD 0.0009%). This variant has not been reported in the literature in individuals affected with CACNA1E-related conditions. ClinVar contains an entry for this variant (Variation ID: 1713644). Invitae Evidence Modeling of protein sequence and biophysical properties (such as structural, functional, and spatial information, amino acid conservation, physicochemical variation, residue mobility, and thermodynamic stability) indicates that this missense variant is not expected to disrupt CACNA1E protein function with a negative predictive value of 95%. In summary, the available evidence is currently insufficient to determine the role of this variant in disease. Therefore, it has been classified as a Variant of Uncertain Significance.